The following is an entry in ClinVar:

ClinVar aggregate classification (germline): Uncertain significance (1 of 4 stars; one submission).

Allele frequency attached by ClinVar (database versions not stated): 1000 Genomes Project 0.00040; gnomAD 0.00002; 1000 Genomes Project 30x 0.00047.
gnomAD v4.1: 4 of 1,529,764 alleles (0.00026%); highest among the groups gnomAD compares: East Asian, 0.0068%; no homozygotes.

Submission:

Labcorp Genetics (formerly Invitae), Labcorp
Classification: Uncertain significance. Last evaluated: 2026-01-26. Review status: criteria provided, single submitter. Criteria: Invitae Variant Classification Sherloc (09022015). Collection method: clinical testing. Allele origin: germline.
Comment: This sequence change replaces threonine, which is neutral and polar, with isoleucine, which is neutral and non-polar, at codon 337 of the RIPK1 protein (p.Thr337Ile). This variant is not present in population databases (gnomAD no frequency). This variant has not been reported in the literature in individuals affected with RIPK1-related conditions. ClinVar contains an entry for this variant (Variation ID: 1978726). An algorithm developed to predict the effect of missense changes on protein structure and function outputs the following: PolyPhen-2: "Benign". The isoleucine amino acid residue is found in multiple mammalian species, which suggests that this missense change does not adversely affect protein function. In summary, the available evidence is currently insufficient to determine the role of this variant in disease. Therefore, it has been classified as a Variant of Uncertain Significance.

NM_001354930.2(RIPK1):c.1010C>T (p.Thr337Ile)

Gene: RIPK1 (receptor interacting serine/threonine kinase 1; plus strand). Cytogenetic location: 6p25.2.
Variant type: single nucleotide variant.
Coding change: c.1010C>T on transcript NM_001354930.2 (MANE Select); coding-DNA position 1010, C replaced by T.
Protein change: p.Thr337Ile; replaces threonine 337 with isoleucine.
Molecular consequence: missense variant.
Genome position (GRCh38, 1-based): chr6:3,105,485, C>T. VCF-style: chr6-3105485-C-T. GRCh37 (hg19) VCF-style: chr6-3105719-C-T.
Other names: c.521C>T, p.Thr174Ile (NM_001317061.3, NM_001354932.2, NM_001354933.2 and 1 more transcripts); c.872C>T, p.Thr291Ile (NM_001354931.2); c.1010C>T, p.Thr337Ile (NM_003804.6); short protein forms T174I, T291I, T337I.
Identifiers: ClinVar variation 1978726 (VCV001978726.4), dbSNP rs575530112, ClinGen allele CA133455232.